The following is an entry in ClinVar:

NM_000143.4(FH):c.1516A>G (p.Met506Val)

Gene: FH (fumarate hydratase; minus strand). Cytogenetic location: 1q43.
Variant type: single nucleotide variant.
Coding change: c.1516A>G on transcript NM_000143.4 (MANE Select); coding-DNA position 1516, A replaced by G.
Protein change: p.Met506Val; replaces methionine 506 with valine.
Molecular consequence: missense variant.
Genome position (GRCh38, 1-based): chr1:241,497,845, T>C on the plus strand (A>G on the coding strand, the complement: FH is on the minus strand). VCF-style: chr1-241497845-T-C. GRCh37 (hg19) VCF-style: chr1-241661145-T-C.
Other names: c.1516A>G (NM_000143.3); short protein forms M506V.
Identifiers: ClinVar variation 1021540 (VCV001021540.7), dbSNP rs762413315, ClinGen allele CA1478423.
Genomic context (GRCh38, chr1:241,497,845, plus strand): 5'-TTAAATTTTATACATGTTTATTTTCATTATAAATTTATGTAAATCACTTTGGACCCAGCA[T>C]GTCCTTAGGTTTTACCCATTCGTCAAACTGCTCTGCTGTGAGATAGCCAAGTTCGATAGC-3'
Protein context (NP_000134.2, residues 496-510): QFDEWVKPKD[Met506Val]LGPK

ClinVar aggregate classification (germline): Uncertain significance. Review status: criteria provided, multiple submitters, no conflicts (2 of 4 stars). 2 submissions from 2 submitters: Uncertain significance (2). Last evaluated 2024-09-25.

Conditions:
Hereditary cancer-predisposing syndrome. Also called: Tumor predisposition; Neoplastic Syndromes, Hereditary; Hereditary neoplastic syndrome; Hereditary Cancer Syndrome. Identifiers: Orphanet 140162, MedGen C0027672, MeSH D009386, MONDO:0015356.

Allele frequency attached by ClinVar (database versions not stated): ExAC 0.00001.

Submissions (3):

Ambry Genetics
Classification: Uncertain significance for Hereditary cancer-predisposing syndrome. Last evaluated: 2024-09-25. Review status: criteria provided, single submitter. Criteria: Ambry Variant Classification Scheme 2023. Collection method: clinical testing. Allele origin: germline.
Comment: The p.M506V variant (also known as c.1516A>G), located in coding exon 10 of the FH gene, results from an A to G substitution at nucleotide position 1516. The methionine at codon 506 is replaced by valine, an amino acid with highly similar properties. This amino acid position is highly conserved in available vertebrate species. In addition, this alteration is predicted to be deleterious by in silico analysis. Based on the available evidence, the clinical significance of this variant remains unclear.

Labcorp Genetics (formerly Invitae), Labcorp
Classification: Uncertain significance. Last evaluated: 2021-08-31. Review status: criteria provided, single submitter. Criteria: Invitae Variant Classification Sherloc (09022015). Collection method: clinical testing. Allele origin: germline.
Comment: This sequence change replaces methionine with valine at codon 506 of the FH protein (p.Met506Val). The methionine residue is highly conserved and there is a small physicochemical difference between methionine and valine. This variant is present in population databases (rs762413315, ExAC 0.008%). This variant has not been reported in the literature in individuals affected with FH-related conditions. Algorithms developed to predict the effect of missense changes on protein structure and function are either unavailable or do not agree on the potential impact of this missense change (SIFT: "Deleterious"; PolyPhen-2: "Probably Damaging"; Align-GVGD: "Class C0"). In summary, the available evidence is currently insufficient to determine the role of this variant in disease. Therefore, it has been classified as a Variant of Uncertain Significance.

Blake Wilde Laboratory, Roswell Park Comprehensive Cancer Center
No classification provided (evidence only). Condition: Hereditary leiomyomatosis and renal cell cancer. Review status: no classification provided. Collection method: in vitro. Allele origin: not applicable. Functional consequence: decreased enzyme activity. Not counted in ClinVar's aggregate classification.